The following is an entry in ClinVar:

ClinVar aggregate classification (germline): Uncertain significance (1 of 4 stars; one submission).

Conditions:
Idiopathic Pulmonary Fibrosis. Also called: Idiopathic fibrosing alveolitis, chronic form; idiopathic fibrosing alveolitis. Identifiers: Orphanet 2032, MedGen C1800706, MeSH D054990, MONDO:0800504.
Dyskeratosis congenita, autosomal dominant 2. Identifiers: MedGen C3151443, MONDO:0013521, OMIM 613989.

Submission:

Labcorp Genetics (formerly Invitae), Labcorp
Classification: Uncertain significance for Dyskeratosis congenita, autosomal dominant 2; Idiopathic Pulmonary Fibrosis. Last evaluated: 2022-09-03. Review status: criteria provided, single submitter. Criteria: Invitae Variant Classification Sherloc (09022015). Collection method: clinical testing. Allele origin: germline.
Comment: In summary, the available evidence is currently insufficient to determine the role of this variant in disease. Therefore, it has been classified as a Variant of Uncertain Significance. Advanced modeling of protein sequence and biophysical properties (such as structural, functional, and spatial information, amino acid conservation, physicochemical variation, residue mobility, and thermodynamic stability) performed at Invitae indicates that this missense variant is not expected to disrupt TERT protein function. This variant has not been reported in the literature in individuals affected with TERT-related conditions. This variant is not present in population databases (gnomAD no frequency). This sequence change replaces asparagine, which is neutral and polar, with threonine, which is neutral and polar, at codon 961 of the TERT protein (p.Asn961Thr).

NM_198253.3(TERT):c.2882A>C (p.Asn961Thr)

Gene: TERT (telomerase reverse transcriptase; minus strand). Cytogenetic location: 5p15.33.
Variant type: single nucleotide variant.
Coding change: c.2882A>C on transcript NM_198253.3 (MANE Select); coding-DNA position 2882, A replaced by C.
Protein change: p.Asn961Thr; replaces asparagine 961 with threonine.
Molecular consequence: missense variant. On other transcripts: non-coding transcript variant (2).
Genome position (GRCh38, 1-based): chr5:1,260,562, T>G on the plus strand (A>C on the coding strand, the complement: TERT is on the minus strand). VCF-style: chr5-1260562-T-G. GRCh37 (hg19) VCF-style: chr5-1260677-T-G.
Other names: c.2693A>C, p.Asn898Thr (NM_001193376.3); c.2882A>C, p.Asn961Thr (NM_003219.1); short protein forms N898T, N961T.
Identifiers: ClinVar variation 1718805 (VCV001718805.6), dbSNP rs1561190919, ClinGen allele CA359070295.